The following is an entry in ClinVar:

NM_005909.5(MAP1B):c.2373C>T (p.Ala791=)

Gene: MAP1B (microtubule associated protein 1B; plus strand). Cytogenetic location: 5q13.2.
Variant type: single nucleotide variant.
Coding change: c.2373C>T on transcript NM_005909.5 (MANE Select); coding-DNA position 2373, C replaced by T.
Protein change: p.Ala791=; no amino-acid change (alanine 791 retained).
Molecular consequence: synonymous variant.
Genome position (GRCh38, 1-based): chr5:72,195,728, C>T. VCF-style: chr5-72195728-C-T. GRCh37 (hg19) VCF-style: chr5-71491555-C-T.
Other names: c.1995C>T, p.Ala665= (NM_001324255.2).
Identifiers: ClinVar variation 3032678 (VCV003032678.2), dbSNP rs138270791, ClinGen allele CA3298808.

ClinVar aggregate classification (germline): Likely benign (0 of 4 stars; one submission).

Conditions:
MAP1B-related disorder. Also called: MAP1B-related condition.

Allele frequency attached by ClinVar (database versions not stated): ExAC 0.00003; TOPMed 0.00006; gnomAD 0.00007; ESP Exome Variant Server 0.00023.
gnomAD v4.1: 68 of 1,614,204 alleles (0.0042%); highest among the groups gnomAD compares: African/African-American, 0.012%; no homozygotes.

Submission:

PreventionGenetics, part of Exact Sciences
Classification: Likely benign for MAP1B-related condition. Last evaluated: 2022-06-10. Review status: no assertion criteria provided. Collection method: clinical testing. Allele origin: germline.
Comment: This variant is classified as likely benign based on ACMG/AMP sequence variant interpretation guidelines (Richards et al. 2015 PMID: 25741868, with internal and published modifications).